The following is an entry in ClinVar:

NM_006031.6(PCNT):c.5027T>C (p.Ile1676Thr)

Gene: PCNT (pericentrin; plus strand). Cytogenetic location: 21q22.3.
Variant type: single nucleotide variant.
Coding change: c.5027T>C on transcript NM_006031.6 (MANE Select); coding-DNA position 5027, T replaced by C.
Protein change: p.Ile1676Thr; replaces isoleucine 1676 with threonine.
Molecular consequence: missense variant.
Genome position (GRCh38, 1-based): chr21:46,402,395, T>C. VCF-style: chr21-46402395-T-C. GRCh37 (hg19) VCF-style: chr21-47822309-T-C.
Other names: c.4673T>C, p.Ile1558Thr (NM_001315529.2); short protein forms I1676T, I1558T.
Identifiers: ClinVar variation 340498 (VCV000340498.12), dbSNP rs140290722, ClinGen allele CA10079864.
Genomic context (GRCh38, chr21:46,402,395, plus strand): 5'-TGGACTTAAAAGAACAGCTAGAAAAGATGAAAGGTGACTTAGAAAGTAAAAATGAAGAAA[T>C]ACTACATCTGAACTTAAAATTGGACATGCAGAACAGCCAGACTGCTGTCAGCCTCAGAGA-3'
Protein context (NP_006022.3, residues 1666-1686): KGDLESKNEE[Ile1676Thr]LHLNLKLDMQ

ClinVar aggregate classification (germline): Conflicting classifications of pathogenicity. Review status: criteria provided, conflicting classifications (1 of 4 stars). 4 submissions from 4 submitters: Uncertain significance (2); Likely benign (1). 1 of the submissions does not count toward it. Last evaluated 2026-01-22.

Conditions:
Microcephalic osteodysplastic primordial dwarfism type II (MOPD2). Also called: Microcephalic osteodysplastic primordial dwarfism with tooth abnormalities; MOPD II; OSTEODYSPLASTIC PRIMORDIAL DWARFISM, TYPE II. Identifiers: Orphanet 2637, MedGen C0432246, MONDO:0008872, OMIM 210720.
PCNT-related disorder. Also called: PCNT-related condition.

Allele frequency attached by ClinVar (database versions not stated): TOPMed 0.00012; gnomAD 0.00013; 1000 Genomes Project 30x 0.00016; 1000 Genomes Project 0.00020; ExAC 0.00020; ESP Exome Variant Server 0.00023; gnomAD exomes 0.00025.
gnomAD v4.1: 256 of 1,612,870 alleles (0.016%); highest among the groups gnomAD compares: Non-Finnish European, 0.01%; no homozygotes.

Submissions (4):

Labcorp Genetics (formerly Invitae), Labcorp
Classification: Likely benign. Last evaluated: 2026-01-22. Review status: criteria provided, single submitter. Criteria: Invitae Variant Classification Sherloc (09022015). Collection method: clinical testing. Allele origin: germline.

Illumina Laboratory Services, Illumina
Classification: Uncertain significance for Microcephalic osteodysplastic primordial dwarfism type II. Last evaluated: 2018-01-12. Review status: criteria provided, single submitter. Criteria: ICSL Variant Classification Criteria 13 December 2019. Collection method: clinical testing. Allele origin: germline.

Breakthrough Genomics
Classification: Uncertain significance. Review status: criteria provided, single submitter. Criteria: ACMG Guidelines, 2015. Collection method: not provided. Allele origin: germline. Inheritance: Autosomal dominant inheritance. Affected: yes.

PreventionGenetics, part of Exact Sciences
Classification: Likely benign for PCNT-related condition. Last evaluated: 2022-04-05. Review status: no assertion criteria provided. Collection method: clinical testing. Allele origin: germline. Not counted in ClinVar's aggregate classification.
Comment: This variant is classified as likely benign based on ACMG/AMP sequence variant interpretation guidelines (Richards et al. 2015 PMID: 25741868, with internal and published modifications).